The following is an entry in ClinVar:

NM_015338.6(ASXL1):c.247C>G (p.Leu83Val)

Gene: ASXL1 (ASXL transcriptional regulator 1; plus strand). Cytogenetic location: 20q11.21.
Variant type: single nucleotide variant.
Coding change: c.247C>G on transcript NM_015338.6 (MANE Select); coding-DNA position 247, C replaced by G.
Protein change: p.Leu83Val; replaces leucine 83 with valine.
Molecular consequence: missense variant.
Genome position (GRCh38, 1-based): chr20:32,369,118, C>G. VCF-style: chr20-32369118-C-G. GRCh37 (hg19) VCF-style: chr20-30956921-C-G.
Other names: c.247C>G, p.Leu83Val (NM_001164603.1); c.217C>G, p.Leu73Val (NM_001363734.1); short protein forms L73V, L83V.
Identifiers: ClinVar variation 3438801 (VCV003438801.1).

ClinVar aggregate classification (germline): Uncertain significance (1 of 4 stars; one submission).

Conditions:
Inborn genetic diseases. Identifiers: MedGen C0950123, MeSH D030342.

gnomAD v4.1: 4 of 1,605,816 alleles (0.00025%); highest among the groups gnomAD compares: Non-Finnish European, 0.00034%; no homozygotes.

Submission:

Ambry Genetics
Classification: Uncertain significance for Inborn genetic diseases. Last evaluated: 2024-11-25. Review status: criteria provided, single submitter. Criteria: Ambry Variant Classification Scheme 2023. Collection method: clinical testing. Allele origin: germline.
Comment: The p.L83V variant (also known as c.247C>G), located in coding exon 4 of the ASXL1 gene, results from a C to G substitution at nucleotide position 247. The leucine at codon 83 is replaced by valine, an amino acid with highly similar properties. This amino acid position is conserved. In addition, the in silico prediction for this alteration is inconclusive. Based on the available evidence, the clinical significance of this variant remains unclear.